The following is an entry in ClinVar:

NM_001378120.1(MBD5):c.-831+9dup

Gene: MBD5 (methyl-CpG binding domain protein 5; plus strand). Cytogenetic location: 2q23.1.
Variant type: Duplication.
Coding change: c.-831+9dup on transcript NM_001378120.1 (MANE Select); 9 bases into the intron after 831 bases upstream of the start codon, one base duplicated (T; older notation c.-831+9dupT).
Molecular consequence: intron variant.
Genome position (GRCh38, 1-based): chr2:148,178,802, T duplicated. VCF-style (leftmost placement, unchanged base first): chr2-148178801-G-GT. GRCh37 (hg19) VCF-style: chr2-148936370-G-GT.
Other names: c.-831+9dup (NM_018328.5).
Identifiers: ClinVar variation 206049 (VCV000206049.29), dbSNP rs796052705, ClinGen allele CA315758.

ClinVar aggregate classification (germline): Benign/Likely benign. Review status: criteria provided, multiple submitters, no conflicts (2 of 4 stars). 2 submissions from 2 submitters: Benign (1); Likely benign (1). Last evaluated 2024-12-01.

Allele frequency attached by ClinVar (database versions not stated): TOPMed 0.00042; gnomAD 0.00058 and 0.00061; gnomAD exomes 0.00076.

Submissions (2):

CeGaT Center for Human Genetics Tuebingen
Classification: Likely benign. Last evaluated: 2024-12-01. Review status: criteria provided, single submitter. Criteria: CeGaT Center For Human Genetics Tuebingen Variant Classification Criteria Version 2. Collection method: clinical testing. Allele origin: germline. Affected: yes. Observed: 4 variant alleles.
Comment: MBD5: BS1

GeneDx
Classification: Benign. Last evaluated: 2014-03-24. Review status: criteria provided, single submitter. Criteria: GeneDx Variant Classification (06012015). Collection method: clinical testing. Allele origin: germline. Affected: yes.
Comment: The variant is found in INFANT-EPI,EPILEPSY panel(s).